The following is an entry in ClinVar:

ClinVar aggregate classification (germline): Uncertain significance. Review status: criteria provided, multiple submitters, no conflicts (2 of 4 stars). 4 submissions from 4 submitters: Uncertain significance (4). Last evaluated 2023-12-05.

Conditions:
Hereditary nonpolyposis colorectal neoplasms. Identifiers: MedGen C0009405, MeSH D003123.
Hereditary cancer-predisposing syndrome. Also called: Hereditary neoplastic syndrome; Hereditary Cancer Syndrome; Tumor predisposition; Neoplastic Syndromes, Hereditary. Identifiers: Orphanet 140162, MedGen C0027672, MeSH D009386, MONDO:0015356.

Allele frequency attached by ClinVar (database versions not stated): gnomAD exomes below 0.00001; TOPMed below 0.00001.
gnomAD v4.1: 1 of 1,614,098 alleles (0.000062%); highest among the groups gnomAD compares: South Asian, 0.0011%; no homozygotes.

Submissions (4):

Color Diagnostics, LLC DBA Color Health
Classification: Uncertain significance for Hereditary cancer-predisposing syndrome. Last evaluated: 2023-12-05. Review status: criteria provided, single submitter. Criteria: ACMG Guidelines, 2015. Collection method: clinical testing. Allele origin: germline.
Comment: This missense variant replaces tyrosine with histidine at codon 1287 of the MSH6 protein. Computational prediction suggests that this variant may have deleterious impact on protein structure and function (internally defined REVEL score threshold >= 0.7, PMID: 27666373). To our knowledge, functional studies have not been reported for this variant. This variant has not been reported in individuals affected with MSH6-related disorders in the literature. This variant has not been identified in the general population by the Genome Aggregation Database (gnomAD). The available evidence is insufficient to determine the role of this variant in disease conclusively. Therefore, this variant is classified as a Variant of Uncertain Significance.

Labcorp Genetics (formerly Invitae), Labcorp
Classification: Uncertain significance for Hereditary nonpolyposis colorectal neoplasms. Last evaluated: 2022-03-02. Review status: criteria provided, single submitter. Criteria: Invitae Variant Classification Sherloc (09022015). Collection method: clinical testing. Allele origin: germline.
Comment: Advanced modeling of protein sequence and biophysical properties (such as structural, functional, and spatial information, amino acid conservation, physicochemical variation, residue mobility, and thermodynamic stability) performed at Invitae indicates that this missense variant is expected to disrupt MSH6 protein function. In summary, the available evidence is currently insufficient to determine the role of this variant in disease. Therefore, it has been classified as a Variant of Uncertain Significance. This sequence change replaces tyrosine, which is neutral and polar, with histidine, which is basic and polar, at codon 1287 of the MSH6 protein (p.Tyr1287His). This variant is not present in population databases (gnomAD no frequency). This variant has not been reported in the literature in individuals affected with MSH6-related conditions. ClinVar contains an entry for this variant (Variation ID: 439210).

Ambry Genetics
Classification: Uncertain significance for Hereditary cancer-predisposing syndrome. Last evaluated: 2019-09-12. Review status: criteria provided, single submitter. Criteria: Ambry Variant Classification Scheme 2023. Collection method: clinical testing. Allele origin: germline.
Comment: The p.Y1287H variant (also known as c.3859T>C), located in coding exon 9 of the MSH6 gene, results from a T to C substitution at nucleotide position 3859. The tyrosine at codon 1287 is replaced by histidine, an amino acid with similar properties. This amino acid position is highly conserved in available vertebrate species. In addition, this alteration is predicted to be deleterious by in silico analysis. Since supporting evidence is limited at this time, the clinical significance of this alteration remains unclear.

Quest Diagnostics Nichols Institute San Juan Capistrano
Classification: Uncertain significance. Last evaluated: 2017-02-13. Review status: criteria provided, single submitter. Criteria: Quest Diagnostics criteria. Collection method: clinical testing. Allele origin: germline.

NM_000179.3(MSH6):c.3859T>C (p.Tyr1287His)

Gene: MSH6 (mutS homolog 6; plus strand). Cytogenetic location: 2p16.3.
Variant type: single nucleotide variant.
Coding change: c.3859T>C on transcript NM_000179.3 (MANE Select); coding-DNA position 3859, T replaced by C.
Protein change: p.Tyr1287His; replaces tyrosine 1287 with histidine.
Molecular consequence: missense variant.
Genome position (GRCh38, 1-based): chr2:47,806,509, T>C. VCF-style: chr2-47806509-T-C. GRCh37 (hg19) VCF-style: chr2-48033648-T-C.
Other names: c.3469T>C, p.Tyr1157His (NM_001281492.2); c.2953T>C, p.Tyr985His (NM_001281493.2, NM_001281494.2); short protein forms Y1287H, Y985H, Y1157H.
Identifiers: ClinVar variation 439210 (VCV000439210.16), dbSNP rs1553333474, ClinGen allele CA346761326.
Genomic context (GRCh38, chr2:47,806,509, plus strand): 5'-AAGGCATGCATGGTAGAAAATGAATGTGAAGACCCCAGCCAGGAGACTATTACGTTCCTC[T>C]ATAAATTCATTAAGGGAGCTTGTCCTAAAAGCTATGGCTTTAATGCAGCAAGGCTTGCTA-3'
Protein context (NP_000170.1, residues 1277-1297): DPSQETITFL[Tyr1287His]KFIKGACPKS